The following is an entry in ClinVar:

NM_004329.3(BMPR1A):c.357C>G (p.Arg119=)

Gene: BMPR1A (bone morphogenetic protein receptor type 1A; plus strand). Cytogenetic location: 10q23.2.
Variant type: single nucleotide variant.
Coding change: c.357C>G on transcript NM_004329.3 (MANE Select); coding-DNA position 357, C replaced by G.
Protein change: p.Arg119=; no amino-acid change (arginine 119 retained).
Molecular consequence: synonymous variant.
Genome position (GRCh38, 1-based): chr10:86,899,817, C>G. VCF-style: chr10-86899817-C-G. GRCh37 (hg19) VCF-style: chr10-88659574-C-G.
Identifiers: ClinVar variation 529962 (VCV000529962.21), dbSNP rs757950894, ClinGen allele CA5585494.
Genomic context (GRCh38, chr10:86,899,817, plus strand): 5'-CAAACCATTTCTAATTTTATCATTACTCTTCTTTTAGGATTCTCCAAAAGCCCAGCTACG[C>G]CGGACAATAGAATGTTGTCGGACCAATTTATGTAACCAGTATTTGCAACCCACACTGCCC-3'
Protein context (NP_004320.2, residues 109-129): QCKDSPKAQL[Arg119=]RTIECCRTNL

ClinVar aggregate classification (germline): Benign/Likely benign. Review status: criteria provided, multiple submitters, no conflicts (2 of 4 stars). 6 submissions from 6 submitters: Benign (1); Likely benign (5). Last evaluated 2026-01-31.

Conditions:
Hereditary cancer-predisposing syndrome. Also called: Hereditary neoplastic syndrome; Hereditary Cancer Syndrome; Neoplastic Syndromes, Hereditary; Tumor predisposition. Identifiers: Orphanet 140162, MedGen C0027672, MeSH D009386, MONDO:0015356.
BMPR1A-related disorder. Also called: BMPR1A-related condition.
Juvenile polyposis syndrome (JPS). Identifiers: Orphanet 2929, MedGen C0345893, MONDO:0017380, OMIM 174900.

Allele frequency attached by ClinVar (database versions not stated): gnomAD exomes below 0.00001 and 0.00001; TOPMed below 0.00001; ExAC 0.00001; gnomAD 0.00001.
gnomAD v4.1: 4 of 1,614,000 alleles (0.00025%); highest among the groups gnomAD compares: Admixed American, 0.005%; no homozygotes.

Submissions (6):

Labcorp Genetics (formerly Invitae), Labcorp
Classification: Likely benign for Juvenile polyposis syndrome. Last evaluated: 2026-01-31. Review status: criteria provided, single submitter. Criteria: Invitae Variant Classification Sherloc (09022015). Collection method: clinical testing. Allele origin: germline.

PreventionGenetics, part of Exact Sciences
Classification: Likely benign for BMPR1A-related condition. Last evaluated: 2025-05-23. Review status: criteria provided, single submitter. Criteria: ACMG Guidelines, 2015. Collection method: clinical testing. Allele origin: germline.
Comment: This variant is classified as likely benign based on ACMG/AMP sequence variant interpretation guidelines (Richards et al. 2015 PMID: 25741868, with internal and published modifications).

Myriad Genetics, Inc.
Classification: Benign for Juvenile polyposis syndrome. Last evaluated: 2024-08-01. Review status: criteria provided, single submitter. Criteria: Myriad Autosomal Dominant, Autosomal Recessive and X-Linked Classification Criteria (2023). Collection method: clinical testing. Allele origin: unknown.
Comment: This variant is considered benign. This variant is a silent/synonymous amino acid change and it is not expected to impact splicing.

All of Us Research Program, National Institutes of Health
Classification: Likely benign for Juvenile polyposis syndrome. Last evaluated: 2023-10-30. Review status: criteria provided, single submitter. Criteria: ACMG Guidelines, 2015. Collection method: clinical testing. Allele origin: germline. Inheritance: Autosomal dominant inheritance. Observed: 3 variant alleles, 3 heterozygotes.
Comment: This study involves interpretation of variants in research participants for the purpose of population health screening. Participant phenotype was not available at the time of variant classification. Additional details can be found in publication PMID: 35346344, PMCID: PMC8962531

Color Diagnostics, LLC DBA Color Health
Classification: Likely benign for Hereditary cancer-predisposing syndrome. Last evaluated: 2019-03-12. Review status: criteria provided, single submitter. Criteria: ACMG Guidelines, 2015. Collection method: clinical testing. Allele origin: germline.

Ambry Genetics
Classification: Likely benign for Hereditary cancer-predisposing syndrome. Last evaluated: 2018-09-19. Review status: criteria provided, single submitter. Criteria: Ambry Variant Classification Scheme 2023. Collection method: clinical testing. Allele origin: germline.